The following is an entry in ClinVar:

NM_001182.5(ALDH7A1):c.1566-4C>G

Gene: ALDH7A1 (aldehyde dehydrogenase 7 family member A1; minus strand). Cytogenetic location: 5q23.2.
Variant type: single nucleotide variant.
Coding change: c.1566-4C>G on transcript NM_001182.5 (MANE Select); 4 bases into the intron before coding-DNA position 1566, C replaced by G.
Molecular consequence: intron variant.
Genome position (GRCh38, 1-based): chr5:126,545,023, G>C on the plus strand (C>G on the coding strand, the complement: ALDH7A1 is on the minus strand). VCF-style: chr5-126545023-G-C. GRCh37 (hg19) VCF-style: chr5-125880715-G-C.
Other names: c.1374-4C>G (NM_001202404.2); c.1482-4C>G (NM_001201377.2).
Identifiers: ClinVar variation 905669 (VCV000905669.12), dbSNP rs376308594, ClinGen allele CA3389350.

ClinVar aggregate classification (germline): Uncertain significance. Review status: criteria provided, multiple submitters, no conflicts (2 of 4 stars). 4 submissions from 4 submitters: Uncertain significance (4). Last evaluated 2023-04-11.

Conditions:
Pyridoxine-dependent epilepsy (EPEO4). Also called: PYRIDOXINE DEPENDENCY WITH SEIZURES; Pyridoxine-Dependent Epilepsy - ALDH7A1; EPILEPSY, EARLY-ONSET, 4, VITAMIN B6-DEPENDENT; Pyridoxine-Dependent Seizures. Identifiers: Orphanet 3006, MedGen C1849508, MONDO:0009945, OMIM 266100. Disease mechanism: loss of function.

Allele frequency attached by ClinVar (database versions not stated): gnomAD 0.00001; gnomAD exomes 0.00002 and 0.00001; TOPMed 0.00002; ESP Exome Variant Server 0.00008; ExAC 0.00002.
gnomAD v4.1: 23 of 1,602,386 alleles (0.0014%); highest among the groups gnomAD compares: Non-Finnish European, 0.0019%; no homozygotes.

Submissions (4):

Genome-Nilou Lab
Classification: Uncertain significance for Pyridoxine-dependent epilepsy. Last evaluated: 2023-04-11. Review status: criteria provided, single submitter. Criteria: ACMG Guidelines, 2015. Collection method: clinical testing. Allele origin: germline. Affected: no.

Labcorp Genetics (formerly Invitae), Labcorp
Classification: Uncertain significance for Pyridoxine-dependent epilepsy. Last evaluated: 2021-09-01. Review status: criteria provided, single submitter. Criteria: Invitae Variant Classification Sherloc (09022015). Collection method: clinical testing. Allele origin: germline.
Comment: This sequence change falls in intron 17 of the ALDH7A1 gene. It does not directly change the encoded amino acid sequence of the ALDH7A1 protein. This variant is present in population databases (rs376308594, ExAC 0.005%). This variant has not been reported in the literature in individuals affected with ALDH7A1-related conditions. Algorithms developed to predict the effect of sequence changes on RNA splicing suggest that this variant may disrupt the consensus splice site. In summary, the available evidence is currently insufficient to determine the role of this variant in disease. Therefore, it has been classified as a Variant of Uncertain Significance.

GeneDx
Classification: Uncertain significance. Last evaluated: 2020-09-08. Review status: criteria provided, single submitter. Criteria: GeneDx Variant Classification Process June 2021. Collection method: clinical testing. Allele origin: germline. Affected: yes.
Comment: In silico analysis supports a deleterious effect on splicing; Has not been previously published as pathogenic or benign to our knowledge

Illumina Laboratory Services, Illumina
Classification: Uncertain significance for Pyridoxine-dependent epilepsy. Last evaluated: 2018-01-13. Review status: criteria provided, single submitter. Criteria: ICSL Variant Classification Criteria 13 December 2019. Collection method: clinical testing. Allele origin: germline.